The following is an entry in ClinVar:

NM_024867.4(SPEF2):c.3949+1G>T

Gene: SPEF2 (sperm flagellar 2; plus strand). Cytogenetic location: 5p13.2.
Variant type: single nucleotide variant.
Coding change: c.3949+1G>T on transcript NM_024867.4 (MANE Select); the canonical splice donor site of the intron after coding-DNA position 3949, G replaced by T.
Molecular consequence: splice donor variant.
Genome position (GRCh38, 1-based): chr5:35,771,757, G>T. VCF-style: chr5-35771757-G-T. GRCh37 (hg19) VCF-style: chr5-35771859-G-T.
Identifiers: ClinVar variation 2633110 (VCV002633110.1), dbSNP rs1239348737, ClinGen allele CA359420670.
Genomic context (GRCh38, chr5:35,771,757, plus strand): 5'-CAAATAAAAAAGTCAAAAAGGAGCCACCCAAGAAAAAACAGGAAGACAAAAAACCCAAAG[G>T]TATTTATGGTTTTAGCACTCAGAACCCTGGATGCCTAAACCTCTCCTTCGTAGAAAACGA-3'

ClinVar aggregate classification (germline): Likely pathogenic (1 of 4 stars; one submission).

Conditions:
SPEF2-related disorder. Also called: SPEF2-related condition.

Allele frequency attached by ClinVar (database versions not stated): TOPMed 0.00001.
gnomAD v4.1: 2 of 1,586,120 alleles (0.00013%); highest among the groups gnomAD compares: Non-Finnish European, 0.000085%; no homozygotes.

Submission:

PreventionGenetics, part of Exact Sciences
Classification: Likely pathogenic for SPEF2-related condition. Last evaluated: 2023-05-05. Review status: criteria provided, single submitter. Criteria: ACMG Guidelines, 2015. Collection method: clinical testing. Allele origin: germline.
Comment: The SPEF2 c.3949+1G>T variant is predicted to disrupt the GT donor site and interfere with normal splicing. To our knowledge, this variant has not been reported in the literature or in a large population database, indicating this variant is rare. Variants that disrupt a consensus splice donor site in SPEF2 are expected to be pathogenic. This variant is interpreted as likely pathogenic.